The following is an entry in ClinVar:

ClinVar aggregate classification (germline): Uncertain significance (1 of 4 stars; one submission).

Conditions:
Intellectual developmental disorder, X-linked 1. Also called: Atkin Flaitz Patil Smith syndrome; Intellectual disability, X-linked 1; MENTAL RETARDATION, X-LINKED 18; MENTAL RETARDATION, X-LINKED 78. Identifiers: Orphanet 777, MedGen C2931498, MONDO:0010656, OMIM 309530.

Submission:

Labcorp Genetics (formerly Invitae), Labcorp
Classification: Uncertain significance for Intellectual developmental disorder, X-linked 1. Last evaluated: 2023-02-19. Review status: criteria provided, single submitter. Criteria: Invitae Variant Classification Sherloc (09022015). Collection method: clinical testing. Allele origin: germline.
Comment: This sequence change replaces isoleucine, which is neutral and non-polar, with threonine, which is neutral and polar, at codon 958 of the IQSEC2 protein (p.Ile958Thr). This variant is not present in population databases (gnomAD no frequency). This variant has not been reported in the literature in individuals affected with IQSEC2-related conditions. Advanced modeling of protein sequence and biophysical properties (such as structural, functional, and spatial information, amino acid conservation, physicochemical variation, residue mobility, and thermodynamic stability) has been performed at Invitae for this missense variant, however the output from this modeling did not meet the statistical confidence thresholds required to predict the impact of this variant on IQSEC2 protein function. In summary, the available evidence is currently insufficient to determine the role of this variant in disease. Therefore, it has been classified as a Variant of Uncertain Significance.

NM_001111125.3(IQSEC2):c.2873T>C (p.Ile958Thr)

Gene: IQSEC2 (IQ motif and Sec7 domain ArfGEF 2; minus strand). Cytogenetic location: Xp11.22.
Variant type: single nucleotide variant.
Coding change: c.2873T>C on transcript NM_001111125.3 (MANE Select); coding-DNA position 2873, T replaced by C.
Protein change: p.Ile958Thr; replaces isoleucine 958 with threonine.
Molecular consequence: missense variant.
Genome position (GRCh38, 1-based): chrX:53,243,348, A>G on the plus strand (T>C on the coding strand, the complement: IQSEC2 is on the minus strand). VCF-style: chrX-53243348-A-G. GRCh37 (hg19) VCF-style: chrX-53272530-A-G.
Other names: c.2873T>C, p.Ile958Thr (NM_001410736.1); c.2258T>C, p.Ile753Thr (NM_015075.2); short protein forms I958T, I753T.
Identifiers: ClinVar variation 2813777 (VCV002813777.3), dbSNP rs2519744904, ClinGen allele CA413153443.